The following is an entry in ClinVar:

NM_145046.5(CALR3):c.397+10C>T

Gene: CALR3 (calreticulin 3; minus strand). Cytogenetic location: 19p13.11.
Variant type: single nucleotide variant.
Coding change: c.397+10C>T on transcript NM_145046.5 (MANE Select); 10 bases into the intron after coding-DNA position 397, C replaced by T.
Molecular consequence: intron variant.
Genome position (GRCh38, 1-based): chr19:16,490,357, G>A on the plus strand (C>T on the coding strand, the complement: CALR3 is on the minus strand). VCF-style: chr19-16490357-G-A. GRCh37 (hg19) VCF-style: chr19-16601168-G-A.
Identifiers: ClinVar variation 496547 (VCV000496547.15), dbSNP rs3810197, ClinGen allele CA9278432.
Genomic context (GRCh38, chr19:16,490,357, plus strand): 5'-TAAAGATCCTGTGAAGTGGGAGGGTTTTCAAAGTCACTAGAAGTGGTTGTGTTGCACCAC[G>A]TAAACTCACCAAACATAATATAGTACTGCGATTTTCCATTCAGGTTCTTCTGGTCAATGT-3'

ClinVar aggregate classification (germline): Benign. Review status: criteria provided, multiple submitters, no conflicts (2 of 4 stars). 6 submissions from 6 submitters: Benign (5). 1 of the submissions does not count toward it. Last evaluated 2026-02-04.

Conditions:
Hypertrophic cardiomyopathy 19. Also called: Familial hypertrophic cardiomyopathy 19. Identifiers: MedGen CN077603, MONDO:0013476.

Allele frequency attached by ClinVar (database versions not stated): gnomAD 0.12536 and 0.12582; ESP Exome Variant Server 0.12956; gnomAD exomes 0.13633 and 0.11929; 1000 Genomes Project 30x 0.11259; 1000 Genomes Project 0.11402; TOPMed 0.11957; ExAC 0.12206.

Submissions (6):

Labcorp Genetics (formerly Invitae), Labcorp
Classification: Benign for Hypertrophic cardiomyopathy 19. Last evaluated: 2026-02-04. Review status: criteria provided, single submitter. Criteria: Invitae Variant Classification Sherloc (09022015). Collection method: clinical testing. Allele origin: germline.

GeneDx
Classification: Benign. Last evaluated: 2019-04-10. Review status: criteria provided, single submitter. Criteria: GeneDx Variant Classification Process June 2021. Collection method: clinical testing. Allele origin: germline. Affected: yes.

Women's Health and Genetics/Laboratory Corporation of America, LabCorp
Classification: Benign. Last evaluated: 2017-08-23. Review status: criteria provided, single submitter. Criteria: LabCorp Variant Classification Summary - May 2015. Collection method: clinical testing. Allele origin: germline.
Comment: Variant summary: The CALR3 c.397+10C>T variant involves the alteration of a non-conserved intronic nucleotide. Mutation Taster predicts a benign outcome for this variant. 5/5 splice prediction tools predict no significant impact on normal splicing. However, these predictions have yet to be confirmed by functional studies. This variant was found in 14809/121330 control chromosomes (993 homozygotes) from ExAC at a frequency of 0.1220556, which is approximately 4882 times the estimated maximal expected allele frequency of a pathogenic CALR3 variant (0.000025), thus this variant is a common benign polymorphism. To our knowledge, this variant has not been reported in affected individuals in literature. Taken together, this variant is classified as benign.

Clinical Genetics DNA and cytogenetics Diagnostics Lab, Erasmus MC, Erasmus Medical Center
Classification: Benign for Hypertrophic cardiomyopathy 1. Last evaluated: 2015-09-21. Review status: criteria provided, single submitter. Criteria: ACGS Guidelines, 2013. Collection method: clinical testing. Allele origin: germline. Affected: yes. Study: VKGL Data-share Consensus.

Breakthrough Genomics
Classification: Benign. Review status: criteria provided, single submitter. Criteria: ACMG Guidelines, 2015. Collection method: not provided. Allele origin: germline. Inheritance: Unknown mechanism. Affected: yes.

Clinical Genetics, Academic Medical Center
Classification: Benign. Review status: no assertion criteria provided. Collection method: clinical testing. Allele origin: germline. Affected: yes. Study: VKGL Data-share Consensus. Not counted in ClinVar's aggregate classification.